The following is an entry in ClinVar:

NM_003072.5(SMARCA4):c.4287C>T (p.Arg1429=)

Gene: SMARCA4 (SWI/SNF related BAF chromatin remodeling complex subunit ATPase 4; plus strand). Cytogenetic location: 19p13.2.
Variant type: single nucleotide variant.
Coding change: c.4287C>T on transcript NM_003072.5 (MANE Select); coding-DNA position 4287, C replaced by T.
Protein change: p.Arg1429=; no amino-acid change (arginine 1429 retained).
Molecular consequence: synonymous variant. On other transcripts: non-coding transcript variant (1).
Genome position (GRCh38, 1-based): chr19:11,041,423, C>T. VCF-style: chr19-11041423-C-T. GRCh37 (hg19) VCF-style: chr19-11152099-C-T.
Other names: c.4287C>T, p.Arg1429= (NM_001128844.3); c.4197C>T, p.Arg1399= (NM_001128845.2, NM_001128846.2); c.4188C>T, p.Arg1396= (NM_001128847.4, NM_001128848.2, NM_001374457.1); c.4383C>T, p.Arg1461= (NM_001128849.3, NM_001387283.1).
Identifiers: ClinVar variation 1078655 (VCV001078655.13), dbSNP rs761380391, ClinGen allele CA9204691.
Genomic context (GRCh38, chr19:11,041,423, plus strand): 5'-ATCACGGAAGCGCAAGCGAGACAGCGACGCCGGCTCCTCCACCCCGACCACCAGCACCCG[C>T]AGCCGCGACAAGGACGACGAGAGCAAGAAGCAGAAGAAGCGCGGGCGGCCGCCTGCCGAG-3'
Protein context (NP_003063.2, residues 1419-1439): AGSSTPTTST[Arg1429=]SRDKDDESKK

ClinVar aggregate classification (germline): Benign/Likely benign. Review status: criteria provided, multiple submitters, no conflicts (2 of 4 stars). 4 submissions from 4 submitters: Benign (2); Likely benign (2). Last evaluated 2026-07-16.

Conditions:
Hereditary cancer-predisposing syndrome. Also called: Hereditary Cancer Syndrome; Hereditary neoplastic syndrome; Neoplastic Syndromes, Hereditary; Tumor predisposition. Identifiers: Orphanet 140162, MedGen C0027672, MeSH D009386, MONDO:0015356.
Rhabdoid tumor predisposition syndrome 2 (RTPS2). Identifiers: Orphanet 231108, Orphanet 69077, MedGen C2750074, MONDO:0013224, OMIM 613325.

Allele frequency attached by ClinVar (database versions not stated): gnomAD exomes 0.00005 and 0.00001; ExAC 0.00007.
gnomAD v4.1: 21 of 1,612,488 alleles (0.0013%); highest among the groups gnomAD compares: South Asian, 0.019%; no homozygotes.

Submissions (4):

Myriad Genetics, Inc.
Classification: Benign for Rhabdoid tumor predisposition syndrome 2. Last evaluated: 2026-07-16. Review status: criteria provided, single submitter. Criteria: Myriad Autosomal Dominant, Autosomal Recessive and X-Linked Classification Criteria (2023). Collection method: clinical testing. Allele origin: unknown.
Comment: This variant is considered benign. This variant is a silent/synonymous amino acid change and it is not expected to impact splicing.

Labcorp Genetics (formerly Invitae), Labcorp
Classification: Likely benign for Rhabdoid tumor predisposition syndrome 2. Last evaluated: 2025-11-05. Review status: criteria provided, single submitter. Criteria: Invitae Variant Classification Sherloc (09022015). Collection method: clinical testing. Allele origin: germline.

Quest Diagnostics Nichols Institute San Juan Capistrano
Classification: Benign. Last evaluated: 2025-08-08. Review status: criteria provided, single submitter. Criteria: Quest Diagnostics criteria. Collection method: clinical testing. Allele origin: unknown.

Ambry Genetics
Classification: Likely benign for Hereditary cancer-predisposing syndrome. Last evaluated: 2020-01-27. Review status: criteria provided, single submitter. Criteria: Ambry Variant Classification Scheme 2023. Collection method: clinical testing. Allele origin: germline.